The following is an entry in ClinVar:

NM_018130.3(SHQ1):c.850T>C (p.Tyr284His)

Gene: SHQ1 (SHQ1, H/ACA ribonucleoprotein assembly factor; minus strand). Cytogenetic location: 3p13.
Variant type: single nucleotide variant.
Coding change: c.850T>C on transcript NM_018130.3 (MANE Select); coding-DNA position 850, T replaced by C.
Protein change: p.Tyr284His; replaces tyrosine 284 with histidine.
Molecular consequence: missense variant.
Genome position (GRCh38, 1-based): chr3:72,817,262, A>G on the plus strand (T>C on the coding strand, the complement: SHQ1 is on the minus strand). VCF-style: chr3-72817262-A-G. GRCh37 (hg19) VCF-style: chr3-72866413-A-G.
Other names: short protein forms Y284H.
Identifiers: ClinVar variation 3363566 (VCV003363566.2).

ClinVar aggregate classification (germline): Uncertain significance. Review status: criteria provided, multiple submitters, no conflicts (2 of 4 stars). 2 submissions from 2 submitters: Uncertain significance (2). Last evaluated 2024-08-19.

Conditions:
Neurodevelopmental disorder with dystonia and seizures (NEDDS). Identifiers: MedGen C5677004, MONDO:0859258, OMIM 619922.

gnomAD v4.1: 30 of 1,613,522 alleles (0.0019%); highest among the groups gnomAD compares: South Asian, 0.031%; no homozygotes.

Submissions (2):

3billion
Classification: Uncertain significance for Neurodevelopmental disorder with dystonia and seizures. Last evaluated: 2024-08-19. Review status: criteria provided, single submitter. Criteria: ACMG Guidelines, 2015. Collection method: clinical testing. Allele origin: germline. Affected: yes.
Comment: The variant is observed at an extremely low frequency in the gnomAD v4.0.0 dataset (total allele frequency: 0.002%). Predicted Consequence/Location: Missense variant In silico tool predictions suggest damaging effect of the variant on gene or gene product [REVEL: 0.80 (>=0.6, sensitivity 0.68 and specificity 0.92); 3Cnet: 0.99 (>=0.6, sensitivity 0.72 and precision 0.9)]. Therefore, this variant is classified as VUS according to the recommendation of ACMG/AMP guideline.

GeneDx
Classification: Uncertain significance. Last evaluated: 2023-10-29. Review status: criteria provided, single submitter. Criteria: GeneDx Variant Classification Process June 2021. Collection method: clinical testing. Allele origin: germline. Affected: yes.
Comment: In silico analysis supports that this missense variant has a deleterious effect on protein structure/function; Has not been previously published as pathogenic or benign to our knowledge